The following is an entry in ClinVar:

ClinVar aggregate classification (germline): Likely benign. Review status: criteria provided, multiple submitters, no conflicts (2 of 4 stars). 3 submissions from 3 submitters: Likely benign (2). 1 of the submissions does not count toward it. Last evaluated 2025-04-27.

Conditions:
Dilated cardiomyopathy 1G (CMD1G). Identifiers: Orphanet 154, MedGen C1858763, MONDO:0011400, OMIM 604145.
Autosomal recessive limb-girdle muscular dystrophy type 2J (LGMDR10). Also called: Limb-girdle muscular dystrophy, type 2J; MUSCULAR DYSTROPHY, LIMB-GIRDLE, AUTOSOMAL RECESSIVE 10. Identifiers: Orphanet 140922, MedGen C1837342, MONDO:0012127, OMIM 608807.
TTN-related disorder. Also called: TTN-related condition; TTN-related disease; TTN-related disorders.

Allele frequency attached by ClinVar (database versions not stated): gnomAD 0.00001; TOPMed 0.00001.
gnomAD v4.1: 14 of 1,612,624 alleles (0.00087%); highest among the groups gnomAD compares: African/African-American, 0.0027%; no homozygotes.

Submissions (3):

Labcorp Genetics (formerly Invitae), Labcorp
Classification: Likely benign for Dilated cardiomyopathy 1G; Autosomal recessive limb-girdle muscular dystrophy type 2J. Last evaluated: 2025-04-27. Review status: criteria provided, single submitter. Criteria: Invitae Variant Classification Sherloc (09022015). Collection method: clinical testing. Allele origin: germline.

Blueprint Genetics
Classification: Likely benign. Last evaluated: 2022-09-26. Review status: criteria provided, single submitter. Criteria: ACMG Guidelines, 2015. Collection method: clinical testing. Allele origin: germline.

PreventionGenetics, part of Exact Sciences
Classification: Likely benign for TTN-related condition. Last evaluated: 2024-05-13. Review status: no assertion criteria provided. Collection method: clinical testing. Allele origin: germline. Not counted in ClinVar's aggregate classification.
Comment: This variant is classified as likely benign based on ACMG/AMP sequence variant interpretation guidelines (Richards et al. 2015 PMID: 25741868, with internal and published modifications).

NM_001267550.2(TTN):c.14874T>C (p.Tyr4958=)

Gene: TTN (titin; minus strand). Cytogenetic location: 2q31.2.
Variant type: single nucleotide variant.
Coding change: c.14874T>C on transcript NM_001267550.2 (MANE Select); coding-DNA position 14874, T replaced by C.
Protein change: p.Tyr4958=; no amino-acid change (tyrosine 4958 retained).
Molecular consequence: synonymous variant. On other transcripts: intron variant (3).
Genome position (GRCh38, 1-based): chr2:178,735,572, A>G on the plus strand (T>C on the coding strand, the complement: TTN is on the minus strand). VCF-style: chr2-178735572-A-G. GRCh37 (hg19) VCF-style: chr2-179600299-A-G.
Other names: c.13923T>C, p.Tyr4641= (NM_001256850.1); c.11142T>C, p.Tyr3714= (NM_133378.4); c.13282+2510T>C (NM_003319.4); c.13858+2510T>C (NM_133437.4); c.13657+2510T>C (NM_133432.3).
Identifiers: ClinVar variation 2952010 (VCV002952010.5), dbSNP rs752146131, ClinGen allele CA60981736.